The following is an entry in ClinVar:

NM_001378452.1(ITPR1):c.3665C>T (p.Ala1222Val)

Gene: ITPR1 (inositol 1,4,5-trisphosphate receptor type 1; plus strand). Cytogenetic location: 3p26.1.
Variant type: single nucleotide variant.
Coding change: c.3665C>T on transcript NM_001378452.1 (MANE Select); coding-DNA position 3665, C replaced by T.
Protein change: p.Ala1222Val; replaces alanine 1222 with valine.
Molecular consequence: missense variant.
Genome position (GRCh38, 1-based): chr3:4,685,169, C>T. VCF-style: chr3-4685169-C-T. GRCh37 (hg19) VCF-style: chr3-4726853-C-T.
Other names: c.3593C>T (NM_002222.5); c.3638C>T, p.Ala1213Val (NM_001099952.4); c.3620C>T, p.Ala1207Val (NM_001168272.2); c.3593C>T, p.Ala1198Val (NM_002222.7); short protein forms A1198V, A1207V, A1213V, A1222V.
Identifiers: ClinVar variation 3623561 (VCV003623561.3).

ClinVar aggregate classification (germline): Uncertain significance. Review status: criteria provided, multiple submitters, no conflicts (2 of 4 stars). 2 submissions from 2 submitters: Uncertain significance (2). Last evaluated 2025-01-21.

Conditions:
Inborn genetic diseases. Identifiers: MedGen C0950123, MeSH D030342.

gnomAD v4.1: 7 of 1,606,950 alleles (0.00044%); highest among the groups gnomAD compares: African/African-American, 0.004%; no homozygotes.

Submissions (2):

Ambry Genetics
Classification: Uncertain significance for Inborn genetic diseases. Last evaluated: 2025-01-21. Review status: criteria provided, single submitter. Criteria: Ambry Variant Classification Scheme 2023. Collection method: clinical testing. Allele origin: germline.

Labcorp Genetics (formerly Invitae), Labcorp
Classification: Uncertain significance. Last evaluated: 2024-08-30. Review status: criteria provided, single submitter. Criteria: Invitae Variant Classification Sherloc (09022015). Collection method: clinical testing. Allele origin: germline.
Comment: This sequence change replaces alanine, which is neutral and non-polar, with valine, which is neutral and non-polar, at codon 1198 of the ITPR1 protein (p.Ala1198Val). This variant is present in population databases (rs760320664, gnomAD 0.01%). This variant has not been reported in the literature in individuals affected with ITPR1-related conditions. Invitae Evidence Modeling of protein sequence and biophysical properties (such as structural, functional, and spatial information, amino acid conservation, physicochemical variation, residue mobility, and thermodynamic stability) indicates that this missense variant is not expected to disrupt ITPR1 protein function with a negative predictive value of 95%. In summary, the available evidence is currently insufficient to determine the role of this variant in disease. Therefore, it has been classified as a Variant of Uncertain Significance.